The following is an entry in ClinVar:

ClinVar aggregate classification (germline): Likely pathogenic. Review status: criteria provided, multiple submitters, no conflicts (2 of 4 stars). 4 submissions from 4 submitters: Likely pathogenic (3). 1 of the submissions does not count toward it. Last evaluated 2025-06-06.

Conditions:
Canavan Disease, Familial Form. Identifiers: MedGen C0751663.
Spongy degeneration of central nervous system. Also called: Canavan disease; Von Bogaert-Bertrand disease; ACY2 DEFICIENCY; AMINOACYLASE 2 DEFICIENCY; ASP DEFICIENCY; ASPA DEFICIENCY. Identifiers: Orphanet 141, MedGen C0206307, MONDO:0010079, OMIM 271900.

Allele frequency attached by ClinVar (database versions not stated): gnomAD exomes below 0.00001; ExAC 0.00001.
gnomAD v4.1: 1 of 1,599,902 alleles (0.000063%); highest among the groups gnomAD compares: Non-Finnish European, 0.000085%; no homozygotes.

Submissions (4):

Natera, Inc.
Classification: Likely pathogenic for Canavan Disease. Last evaluated: 2025-06-06. Review status: criteria provided, single submitter. Criteria: Natera Variant Classification Schema (03/2026). Collection method: clinical testing. Allele origin: germline.
Comment: The c.428T>C variant in ASPA is a missense variant predicted to cause substitution of isoleucine to threonine at amino acid 143. This variant is rare in the general population with a frequency below the threshold expected for the associated phenotype(s). This variant has been observed in one or more individuals affected with the associated recessive disease, as either homozygous or compound heterozygous with a second variant (PMID: 9452117). Functional studies show that this variant may disrupt protein function (PMID: 17391648). A different variant at the same position has been determined to be Pathogenic or Likely Pathogenic. Computational prediction algorithms indicate this variant is likely to affect gene or protein function. Given the available evidence, this variant is classified as Likely Pathogenic.

Women's Health and Genetics/Laboratory Corporation of America, LabCorp
Classification: Likely pathogenic for Canavan Disease, Familial Form. Last evaluated: 2024-08-12. Review status: criteria provided, single submitter. Criteria: LabCorp Variant Classification Summary - May 2015. Collection method: clinical testing. Allele origin: germline.
Comment: Variant summary: ASPA c.428T>C (p.Ile143Thr) results in a non-conservative amino acid change in the encoded protein sequence. Five of five in-silico tools predict a damaging effect of the variant on protein function. The variant allele was found at a frequency of 4.2e-06 in 236462 control chromosomes. c.428T>C has been reported in the literature in the homozygous state in at least one individual affected with Canavan Disease (e.g. Kobaashi_1998). These data indicate that the variant may be associated with disease. At least one publication reports experimental evidence that this variant results in reduced enzyme activity and thermal stability in vitro (e.g. Zano_2013). Other variants affecting this codon have been reported (HGMD and ClinVar databases). The following publications have been ascertained in the context of this evaluation (PMID: 9452117, 22850825). ClinVar contains an entry for this variant (Variation ID: 557614). Based on the evidence outlined above, the variant was classified as likely pathogenic.

Baylor Genetics
Classification: Likely pathogenic for Spongy degeneration of central nervous system. Last evaluated: 2024-02-08. Review status: criteria provided, single submitter. Criteria: ACMG Guidelines, 2015. Collection method: clinical testing. Allele origin: unknown.

Counsyl
Classification: Uncertain significance for Spongy degeneration of central nervous system. Last evaluated: 2018-04-06. Review status: no assertion criteria provided. Collection method: clinical testing. Allele origin: unknown. Not counted in ClinVar's aggregate classification.

Literature cited by the submitters: PubMed 9452117 (cited by 3 submitters); PubMed 17391648 (cited by Natera, Inc. and Counsyl); PubMed 22850825 (cited by Women's Health and Genetics/Laboratory Corporation of America, LabCorp and Counsyl).

NM_000049.4(ASPA):c.428T>C (p.Ile143Thr)

Genes: ASPA (aspartoacylase; plus strand), SPATA22 (spermatogenesis associated 22; minus strand). Cytogenetic location: 17p13.2.
Variant type: single nucleotide variant.
Coding change: c.428T>C on transcript NM_000049.4 (MANE Select); coding-DNA position 428, T replaced by C.
Protein change: p.Ile143Thr; replaces isoleucine 143 with threonine.
Molecular consequence: missense variant. On other transcripts: intron variant (2).
Genome position (GRCh38, 1-based): chr17:3,481,794, T>C. VCF-style: chr17-3481794-T-C. GRCh37 (hg19) VCF-style: chr17-3385088-T-C.
Other names: c.428T>C, p.Ile143Thr (NM_001128085.1); c.-73-12396A>G (NM_001321336.2, NM_001321337.2); short protein forms I143T.
Identifiers: ClinVar variation 557614 (VCV000557614.6), dbSNP rs777936704, ClinGen allele CA8288917.
Genomic context (GRCh38, chr17:3,481,794, plus strand): 5'-GGTGCACTCTTATTCTTGAGGATTCCAGGAATAACTTTTTAATTCAGATGTTTCATTACA[T>C]TAAGGTAATGTTAATGTTATTAATTTATAAGTTAGCAAAGGACTTGTACTTTTAAGTCAA-3'
Protein context (NP_000040.1, residues 133-153): NNFLIQMFHY[Ile143Thr]KTSLAPLPCY